The following is an entry in ClinVar:

ClinVar aggregate classification (germline): Uncertain significance. Review status: criteria provided, multiple submitters, no conflicts (2 of 4 stars). 2 submissions from 2 submitters: Uncertain significance (2). Last evaluated 2025-04-14.

Conditions:
Inborn genetic diseases. Identifiers: MedGen C0950123, MeSH D030342.

gnomAD v4.1: 4 of 1,612,896 alleles (0.00025%); highest among the groups gnomAD compares: Non-Finnish European, 0.00034%; no homozygotes.

Submissions (2):

Ambry Genetics
Classification: Uncertain significance for Inborn genetic diseases. Last evaluated: 2025-04-14. Review status: criteria provided, single submitter. Criteria: Ambry Variant Classification Scheme 2023. Collection method: clinical testing. Allele origin: germline.

GeneDx
Classification: Uncertain significance. Last evaluated: 2023-11-27. Review status: criteria provided, single submitter. Criteria: GeneDx Variant Classification Process June 2021. Collection method: clinical testing. Allele origin: germline. Affected: yes.
Comment: Not observed at significant frequency in large population cohorts (gnomAD); In silico analysis supports that this missense variant does not alter protein structure/function; Has not been previously published as pathogenic or benign to our knowledge; This variant is associated with the following publications: (PMID: 28555414, 28637624)

NM_001987.5(ETV6):c.920C>G (p.Ser307Cys)

Gene: ETV6 (ETS variant transcription factor 6; plus strand). Cytogenetic location: 12p13.2.
Variant type: single nucleotide variant.
Coding change: c.920C>G on transcript NM_001987.5 (MANE Select); coding-DNA position 920, C replaced by G.
Protein change: p.Ser307Cys; replaces serine 307 with cysteine.
Molecular consequence: missense variant.
Genome position (GRCh38, 1-based): chr12:11,869,880, C>G. VCF-style: chr12-11869880-C-G. GRCh37 (hg19) VCF-style: chr12-12022814-C-G.
Other names: c.917C>G, p.Ser306Cys (NM_001413913.1); c.893C>G, p.Ser298Cys (NM_001413914.1); c.656C>G, p.Ser219Cys (NM_001413915.1); c.920C>G, p.Ser307Cys (NM_001413916.1, NM_001413917.1); short protein forms S219C, S298C, S306C, S307C.
Identifiers: ClinVar variation 3364896 (VCV003364896.2).